The following is an entry in ClinVar:

NM_000059.4(BRCA2):c.3518T>C (p.Ile1173Thr)

Gene: BRCA2 (BRCA2 DNA repair associated; plus strand). Cytogenetic location: 13q13.1.
Variant type: single nucleotide variant.
Coding change: c.3518T>C on transcript NM_000059.4 (MANE Select); coding-DNA position 3518, T replaced by C.
Protein change: p.Ile1173Thr; replaces isoleucine 1173 with threonine.
Molecular consequence: missense variant.
Genome position (GRCh38, 1-based): chr13:32,337,873, T>C. VCF-style: chr13-32337873-T-C. GRCh37 (hg19) VCF-style: chr13-32912010-T-C.
Other names: 3746T>C; short protein forms I1173T.
Identifiers: ClinVar variation 91802 (VCV000091802.14), dbSNP rs398122767, ClinGen allele CA018250.

ClinVar aggregate classification (germline): Conflicting classifications of pathogenicity. Review status: criteria provided, conflicting classifications (1 of 4 stars). 5 submissions from 5 submitters: Uncertain significance (3); Likely benign (1). 1 of the submissions does not count toward it. Last evaluated 2024-12-10.

Conditions:
Hereditary cancer-predisposing syndrome. Also called: Tumor predisposition; Hereditary Cancer Syndrome; Neoplastic Syndromes, Hereditary; Hereditary neoplastic syndrome. Identifiers: Orphanet 140162, MedGen C0027672, MeSH D009386, MONDO:0015356.
Hereditary breast ovarian cancer syndrome. Also called: Breast and ovarian cancer; Hereditary breast and ovarian cancer; Hereditary breast and ovarian cancer syndrome; BRCA1- and BRCA2-Associated Hereditary Breast and Ovarian Cancer; Hereditary breast and ovarian cancer syndrome (HBOC); Hereditary breast and/or ovarian cancer syndrome. Identifiers: Orphanet 145, MedGen C0677776, MeSH D061325, MONDO:0003582. Disease mechanism: loss of function.
Breast-ovarian cancer, familial, susceptibility to, 2 (BROVCA2). Also called: BRCA2 Hereditary Breast and Ovarian Cancer. Identifiers: Orphanet 145, MedGen C2675520, MONDO:0012933, OMIM 612555. Disease mechanism: loss of function.

Allele frequency attached by ClinVar (database versions not stated): gnomAD exomes below 0.00001.
gnomAD v4.1: 2 of 1,614,086 alleles (0.00012%); highest among the groups gnomAD compares: Non-Finnish European, 0.00017%; no homozygotes.

Submissions (5):

Labcorp Genetics (formerly Invitae), Labcorp
Classification: Uncertain significance for Hereditary breast ovarian cancer syndrome. Last evaluated: 2024-12-10. Review status: criteria provided, single submitter. Criteria: Invitae Variant Classification Sherloc (09022015). Collection method: clinical testing. Allele origin: germline.
Comment: This sequence change replaces isoleucine, which is neutral and non-polar, with threonine, which is neutral and polar, at codon 1173 of the BRCA2 protein (p.Ile1173Thr). This variant is not present in population databases (gnomAD no frequency). This variant has not been reported in the literature in individuals affected with BRCA2-related conditions. ClinVar contains an entry for this variant (Variation ID: 91802). Invitae Evidence Modeling of protein sequence and biophysical properties (such as structural, functional, and spatial information, amino acid conservation, physicochemical variation, residue mobility, and thermodynamic stability) indicates that this missense variant is not expected to disrupt BRCA2 protein function with a negative predictive value of 95%. In summary, the available evidence is currently insufficient to determine the role of this variant in disease. Therefore, it has been classified as a Variant of Uncertain Significance.

Ambry Genetics
Classification: Uncertain significance for Hereditary cancer-predisposing syndrome. Last evaluated: 2024-03-12. Review status: criteria provided, single submitter. Criteria: Ambry Variant Classification Scheme 2023. Collection method: clinical testing. Allele origin: germline.
Comment: The p.I1173T variant (also known as c.3518T>C), located in coding exon 10 of the BRCA2 gene, results from a T to C substitution at nucleotide position 3518. The isoleucine at codon 1173 is replaced by threonine, an amino acid with similar properties. This amino acid position is not well conserved in available vertebrate species, and threonine is the reference amino acid in several species. In addition, this alteration is predicted to be tolerated by in silico analysis. Since supporting evidence is limited at this time, the clinical significance of this alteration remains unclear.

University of Washington Department of Laboratory Medicine, University of Washington
Classification: Likely benign for Hereditary cancer-predisposing syndrome. Last evaluated: 2023-03-23. Review status: criteria provided, single submitter. Criteria: Dines et al. (Genet Med. 2020). Collection method: curation. Allele origin: germline.
Comment: Missense variant in a coldspot region where missense variants are very unlikely to be pathogenic (PMID:31911673).

BRCA2 exon 11 coldspot. Reclassification based on statistical prior probability.

All of Us Research Program, National Institutes of Health
Classification: Uncertain significance for Breast-ovarian cancer, familial, susceptibility to, 2. Last evaluated: 2023-02-24. Review status: criteria provided, single submitter. Criteria: ACMG Guidelines, 2015. Collection method: clinical testing. Allele origin: germline. Inheritance: Autosomal dominant inheritance. Observed: 1 variant allele, 1 heterozygote.
Comment: This missense variant replaces isoleucine with threonine at codon 1173 of the BRCA2 protein. Computational prediction suggests that this variant may not impact protein structure and function (internally defined REVEL score threshold <= 0.5, PMID: 27666373). To our knowledge, functional studies have not been reported for this variant. This variant has not been reported in individuals affected with BRCA2-related disorders in the literature. This variant has not been identified in the general population by the Genome Aggregation Database (gnomAD). The available evidence is insufficient to determine the role of this variant in disease conclusively. Therefore, this variant is classified as a Variant of Uncertain Significance.

This study involves interpretation of variants in research participants for the purpose of population health screening. Participant phenotype was not available at the time of variant classification. Additional details can be found in publication PMID: 35346344, PMCID: PMC8962531

Sharing Clinical Reports Project (SCRP)
Classification: Uncertain significance for Breast-ovarian cancer, familial 2. Last evaluated: 2011-06-10. Review status: no assertion criteria provided. Collection method: clinical testing. Allele origin: germline. Not counted in ClinVar's aggregate classification.